The following is an entry in ClinVar:

ClinVar aggregate classification (germline): Uncertain significance (1 of 4 stars; one submission).

Conditions:
Joubert syndrome. Also called: CEREBELLOPARENCHYMAL DISORDER IV; JOUBERT-BOLTSHAUSER SYNDROME; Familial aplasia of the vermis. Identifiers: Orphanet 475, MedGen C5979921, MONDO:0018772.
Orofaciodigital syndrome I (OFD1). Also called: OFDS I; Papillon-Leage and Psaume Syndrome; Oral-Facial-Digital Syndrome Type I. Identifiers: Orphanet 2750, MedGen C1510460, MONDO:0010702, OMIM 311200.

Allele frequency attached by ClinVar (database versions not stated): gnomAD exomes below 0.00001; TOPMed 0.00001; ESP Exome Variant Server 0.00009.
gnomAD v4.1: 1 of 1,211,130 alleles (0.000083%); highest among the groups gnomAD compares: Non-Finnish European, 0.00011%; no homozygotes.

Submission:

Labcorp Genetics (formerly Invitae), Labcorp
Classification: Uncertain significance for Orofaciodigital syndrome I; Joubert syndrome. Last evaluated: 2025-03-17. Review status: criteria provided, single submitter. Criteria: Invitae Variant Classification Sherloc (09022015). Collection method: clinical testing. Allele origin: germline.
Comment: This sequence change replaces asparagine, which is neutral and polar, with aspartic acid, which is acidic and polar, at codon 6 of the OFD1 protein (p.Asn6Asp). This variant is present in population databases (rs148995835, gnomAD 0.009%). This variant has not been reported in the literature in individuals affected with OFD1-related conditions. ClinVar contains an entry for this variant (Variation ID: 2927343). An algorithm developed to predict the effect of missense changes on protein structure and function (PolyPhen-2) suggests that this variant is likely to be tolerated. In summary, the available evidence is currently insufficient to determine the role of this variant in disease. Therefore, it has been classified as a Variant of Uncertain Significance.

NM_003611.3(OFD1):c.16A>G (p.Asn6Asp)

Genes: OFD1 (OFD1 centriole and centriolar satellite protein; plus strand), LOC126863212 (CDK7 strongly-dependent group 2 enhancer GRCh37_chrX:13752241-13753440; plus strand). Cytogenetic location: Xp22.2.
Variant type: single nucleotide variant.
Coding change: c.16A>G on transcript NM_003611.3 (MANE Select); coding-DNA position 16, A replaced by G.
Protein change: p.Asn6Asp; replaces asparagine 6 with aspartic acid.
Molecular consequence: missense variant. On other transcripts: 5 prime UTR variant (1).
Genome position (GRCh38, 1-based): chrX:13,735,251, A>G. VCF-style: chrX-13735251-A-G. GRCh37 (hg19) VCF-style: chrX-13753370-A-G.
Other names: c.16A>G, p.Asn6Asp (NM_001330209.2); c.-530A>G (NM_001330210.2); short protein forms N6D.
Identifiers: ClinVar variation 2927343 (VCV002927343.3), dbSNP rs148995835, ClinGen allele CA326105750.